The following is an entry in ClinVar:

ClinVar aggregate classification (germline): Likely benign. Review status: criteria provided, multiple submitters, no conflicts (2 of 4 stars). 2 submissions from 2 submitters: Likely benign (2). Last evaluated 2023-02-21.

Allele frequency attached by ClinVar (database versions not stated): gnomAD exomes below 0.00001.
gnomAD v4.1: 5 of 1,612,964 alleles (0.00031%); highest among the groups gnomAD compares: Non-Finnish European, 0.00042%; no homozygotes.

Submissions (2):

Labcorp Genetics (formerly Invitae), Labcorp
Classification: Likely benign. Last evaluated: 2023-02-21. Review status: criteria provided, single submitter. Criteria: Invitae Variant Classification Sherloc (09022015). Collection method: clinical testing. Allele origin: germline.

GeneDx
Classification: Likely benign. Last evaluated: 2017-01-03. Review status: criteria provided, single submitter. Criteria: GeneDx Variant Classification (06012015). Collection method: clinical testing. Allele origin: germline. Affected: yes.
Comment: This variant is considered likely benign or benign based on one or more of the following criteria: it is a conservative change, it occurs at a poorly conserved position in the protein, it is predicted to be benign by multiple in silico algorithms, and/or has population frequency not consistent with disease.

NM_006231.4(POLE):c.6137-19A>T

Gene: POLE (DNA polymerase epsilon, catalytic subunit; minus strand). Cytogenetic location: 12q24.33.
Variant type: single nucleotide variant.
Coding change: c.6137-19A>T on transcript NM_006231.4 (MANE Select); 19 bases into the intron before coding-DNA position 6137, A replaced by T.
Molecular consequence: intron variant.
Genome position (GRCh38, 1-based): chr12:132,632,527, T>A on the plus strand (A>T on the coding strand, the complement: POLE is on the minus strand). VCF-style: chr12-132632527-T-A. GRCh37 (hg19) VCF-style: chr12-133209113-T-A.
Identifiers: ClinVar variation 392568 (VCV000392568.4), dbSNP rs1057524544, ClinGen allele CA16607126.